The following is an entry in ClinVar:

ClinVar aggregate classification (germline): Benign (1 of 4 stars; one submission).

Allele frequency attached by ClinVar (database versions not stated): gnomAD 0.06511 and 0.06652; TOPMed 0.07125; 1000 Genomes Project 0.07648; 1000 Genomes Project 30x 0.08011.
gnomAD v4.1: 9,866 of 152,230 alleles (6.5%); highest among the groups gnomAD compares: African/African-American, 16%; 620 homozygotes.

Submission:

GeneDx
Classification: Benign. Last evaluated: 2018-06-16. Review status: criteria provided, single submitter. Criteria: GeneDx Variant Classification (06012015). Collection method: clinical testing. Allele origin: germline. Affected: yes.
Comment: This variant is considered likely benign or benign based on one or more of the following criteria: it is a conservative change, it occurs at a poorly conserved position in the protein, it is predicted to be benign by multiple in silico algorithms, and/or has population frequency not consistent with disease.

NM_006567.5(FARS2):c.613-188C>T

Gene: FARS2 (phenylalanyl-tRNA synthetase 2, mitochondrial; plus strand). Cytogenetic location: 6p25.1.
Variant type: single nucleotide variant.
Coding change: c.613-188C>T on transcript NM_006567.5 (MANE Select); 188 bases into the intron before coding-DNA position 613, C replaced by T.
Molecular consequence: intron variant.
Genome position (GRCh38, 1-based): chr6:5,404,354, C>T. VCF-style: chr6-5404354-C-T. GRCh37 (hg19) VCF-style: chr6-5404587-C-T.
Other names: c.613-188C>T (NM_001374878.1, NM_001318872.2, NM_001374877.1 and 5 more transcripts); c.-84-188C>T (NM_001375260.1, NM_001375259.1).
Identifiers: ClinVar variation 680633 (VCV000680633.1), dbSNP rs2432777, ClinGen allele CA12364668.